The following is an entry in ClinVar:

ClinVar aggregate classification (germline): Uncertain significance (1 of 4 stars; one submission).

Conditions:
Maple syrup urine disease (MSUD). Identifiers: Orphanet 511, MedGen C0024776, MeSH D008375, MONDO:0009563. Disease mechanism: loss of function.

Submission:

Labcorp Genetics (formerly Invitae), Labcorp
Classification: Uncertain significance for Maple syrup urine disease. Last evaluated: 2019-12-20. Review status: criteria provided, single submitter. Criteria: Invitae Variant Classification Sherloc (09022015). Collection method: clinical testing. Allele origin: germline.
Comment: This variant is not present in population databases (ExAC no frequency). This sequence change replaces proline with leucine at codon 366 of the BCKDHB protein (p.Pro366Leu). The proline residue is highly conserved and there is a moderate physicochemical difference between proline and leucine. This variant has not been reported in the literature in individuals with BCKDHB-related conditions. Algorithms developed to predict the effect of missense changes on protein structure and function are either unavailable or do not agree on the potential impact of this missense change (SIFT: "Deleterious"; PolyPhen-2: "Probably Damaging"; Align-GVGD: "Class C0"). In summary, the available evidence is currently insufficient to determine the role of this variant in disease. Therefore, it has been classified as a Variant of Uncertain Significance.

NM_183050.4(BCKDHB):c.1097C>T (p.Pro366Leu)

Gene: BCKDHB (branched chain keto acid dehydrogenase E1 subunit beta; plus strand). Cytogenetic location: 6q14.1.
Variant type: single nucleotide variant.
Coding change: c.1097C>T on transcript NM_183050.4 (MANE Select); coding-DNA position 1097, C replaced by T.
Protein change: p.Pro366Leu; replaces proline 366 with leucine.
Molecular consequence: missense variant. On other transcripts: non-coding transcript variant (1).
Genome position (GRCh38, 1-based): chr6:80,343,722, C>T. VCF-style: chr6-80343722-C-T. GRCh37 (hg19) VCF-style: chr6-81053439-C-T.
Other names: c.1097C>T, p.Pro366Leu (NM_000056.5); c.887C>T, p.Pro296Leu (NM_001318975.1); short protein forms P296L, P366L.
Identifiers: ClinVar variation 862849 (VCV000862849.10), dbSNP rs1770038350, ClinGen allele CA365021473.